The following is an entry in ClinVar:

NM_004557.4(NOTCH4):c.3119-24A>G

Gene: NOTCH4 (notch receptor 4; minus strand). Cytogenetic location: 6p21.32.
Variant type: single nucleotide variant.
Coding change: c.3119-24A>G on transcript NM_004557.4 (MANE Select); 24 bases into the intron before coding-DNA position 3119, A replaced by G.
Molecular consequence: intron variant.
Genome position (GRCh38, 1-based): chr6:32,203,906, T>C on the plus strand (A>G on the coding strand, the complement: NOTCH4 is on the minus strand). VCF-style: chr6-32203906-T-C. GRCh37 (hg19) VCF-style: chr6-32171683-T-C.
Identifiers: ClinVar variation 1287377 (VCV001287377.1), dbSNP rs2071277, ClinGen allele CA3739519.
Genomic context (GRCh38, chr6:32,203,906, plus strand): 5'-CTGTGGCAGGGGTCTATCTCCACCTCACACCACTGGCCTGTAATTATGGGGGAGATTAGA[T>C]GTCACACACTGCATCAGTCACTGCCTCCATCCTAGCTCATTCCTGGATGTTGGCCCAGTG-3'

ClinVar aggregate classification (germline): Benign (1 of 4 stars; one submission).

Allele frequency attached by ClinVar (database versions not stated): ESP Exome Variant Server 0.43892; TOPMed 0.45220; gnomAD 0.45399 and 0.45881; 1000 Genomes Project 30x 0.45597; 1000 Genomes Project 0.45707; gnomAD exomes 0.48367 and 0.48416; ExAC 0.55852.
gnomAD v4.1: 740,655 of 1,537,900 alleles (48%); highest among the groups gnomAD compares: South Asian, 59%; 181,533 homozygotes.

Submission:

GeneDx
Classification: Benign. Last evaluated: 2020-04-29. Review status: criteria provided, single submitter. Criteria: GeneDx Variant Classification Process June 2021. Collection method: clinical testing. Allele origin: germline. Affected: yes.
Comment: This variant is associated with the following publications: (PMID: 31838262)